The following is an entry in ClinVar:

NM_000327.4(ROM1):c.329G>T (p.Gly110Val)

Gene: ROM1 (retinal outer segment membrane protein 1; plus strand). Cytogenetic location: 11q12.3.
Variant type: single nucleotide variant.
Coding change: c.329G>T on transcript NM_000327.4 (MANE Select); coding-DNA position 329, G replaced by T.
Protein change: p.Gly110Val; replaces glycine 110 with valine.
Molecular consequence: missense variant.
Genome position (GRCh38, 1-based): chr11:62,613,610, G>T. VCF-style: chr11-62613610-G-T. GRCh37 (hg19) VCF-style: chr11-62381082-G-T.
Other names: c.329G>T (NM_000327.3); short protein forms G110V.
Identifiers: ClinVar variation 3608202 (VCV003608202.3).
Genomic context (GRCh38, chr11:62,613,610, plus strand): 5'-CAGCTCTATACCCTCCCTGGCGAGGGGTCCTGGGCCCGCTGCTGGTGGCTGGCACGGCTG[G>T]TGGGGGGGGGCTCCTGGTCGTCGGCCTCGGGCTAGCCCTGGCTTTGCCTGGGAGTCTGGA-3'
Protein context (NP_000318.2, residues 100-120): LGPLLVAGTA[Gly110Val]GGGLLVVGLG

ClinVar aggregate classification (germline): Uncertain significance. Review status: criteria provided, multiple submitters, no conflicts (2 of 4 stars). 2 submissions from 2 submitters: Uncertain significance (2). Last evaluated 2025-04-24.

Submissions (2):

Ambry Genetics
Classification: Uncertain significance. Last evaluated: 2025-04-24. Review status: criteria provided, single submitter. Criteria: Ambry Variant Classification Scheme 2023. Collection method: clinical testing. Allele origin: germline.

Labcorp Genetics (formerly Invitae), Labcorp
Classification: Uncertain significance. Last evaluated: 2024-10-21. Review status: criteria provided, single submitter. Criteria: Invitae Variant Classification Sherloc (09022015). Collection method: clinical testing. Allele origin: germline.
Comment: This sequence change replaces glycine, which is neutral and non-polar, with valine, which is neutral and non-polar, at codon 110 of the ROM1 protein (p.Gly110Val). This variant is present in population databases (no rsID available, gnomAD 0.01%). This variant has not been reported in the literature in individuals affected with ROM1-related conditions. Invitae Evidence Modeling of protein sequence and biophysical properties (such as structural, functional, and spatial information, amino acid conservation, physicochemical variation, residue mobility, and thermodynamic stability) indicates that this missense variant is not expected to disrupt ROM1 protein function with a negative predictive value of 80%. In summary, the available evidence is currently insufficient to determine the role of this variant in disease. Therefore, it has been classified as a Variant of Uncertain Significance.